The following is an entry in ClinVar:

NM_001939.3(DRP2):c.1677_1698+44del

Gene: DRP2 (dystrophin related protein 2; plus strand). Cytogenetic location: Xq22.1.
Variant type: Deletion.
Coding change: c.1677_1698+44del on transcript NM_001939.3 (MANE Select); coding-DNA position 1677 through 44 bases into the intron after coding-DNA position 1698, 66 bases deleted.
Molecular consequence: splice donor variant.
Genome position (GRCh38, 1-based): chrX:101,250,559-101,250,624, 66 bases deleted. GRCh37 (hg19): chrX:100,505,548-100,505,613.
Other names: c.1443_1464+44del (NM_001171184.2).
Identifiers: ClinVar variation 2839242 (VCV002839242.3), dbSNP rs2520281315, ClinGen allele CA2739273634.

ClinVar aggregate classification (germline): Likely pathogenic (1 of 4 stars; one submission).

Submission:

Labcorp Genetics (formerly Invitae), Labcorp
Classification: Likely pathogenic. Last evaluated: 2023-04-25. Review status: criteria provided, single submitter. Criteria: Invitae Variant Classification Sherloc (09022015). Collection method: clinical testing. Allele origin: germline.
Comment: In summary, the currently available evidence indicates that the variant is pathogenic, but additional data are needed to prove that conclusively. Therefore, this variant has been classified as Likely Pathogenic. Algorithms developed to predict the effect of sequence changes on RNA splicing suggest that this variant may disrupt the consensus splice site. This variant has not been reported in the literature in individuals affected with DRP2-related conditions. This variant is not present in population databases (gnomAD no frequency). This variant results in the deletion of part of exon 15 (c.1677_1698+44del) of the DRP2 gene. It is expected to disrupt RNA splicing. Variants that disrupt the donor or acceptor splice site typically lead to a loss of protein function (PMID: 16199547), and loss-of-function variants in DRP2 are known to be pathogenic (PMID: 22764250, 26227883).

Literature cited by the submitters: PubMed 16199547; PubMed 22764250; PubMed 26227883.